The following is an entry in ClinVar:

NM_004963.4(GUCY2C):c.700G>A (p.Asp234Asn)

Genes: GUCY2C (guanylate cyclase 2C; minus strand), GUCY2C-AS1 (GUCY2C antisense RNA 1; plus strand). Cytogenetic location: 12p12.3.
Variant type: single nucleotide variant.
Coding change: c.700G>A on transcript NM_004963.4 (MANE Select); coding-DNA position 700, G replaced by A.
Protein change: p.Asp234Asn; replaces aspartic acid 234 with asparagine.
Molecular consequence: missense variant.
Genome position (GRCh38, 1-based): chr12:14,681,389, C>T on the plus strand (G>A on the coding strand, the complement: GUCY2C is on the minus strand). VCF-style: chr12-14681389-C-T. GRCh37 (hg19) VCF-style: chr12-14834323-C-T.
Other names: c.700G>A (NM_004963.3); short protein forms D234N.
Identifiers: ClinVar variation 1022739 (VCV001022739.10), dbSNP rs538815024, ClinGen allele CA6463687.

ClinVar aggregate classification (germline): Uncertain significance. Review status: criteria provided, multiple submitters, no conflicts (2 of 4 stars). 2 submissions from 2 submitters: Uncertain significance (2). Last evaluated 2025-11-28.

Conditions:
Inborn genetic diseases. Identifiers: MedGen C0950123, MeSH D030342.

Allele frequency attached by ClinVar (database versions not stated): gnomAD 0.00006 and 0.00007; TOPMed 0.00009; gnomAD exomes 0.00013; 1000 Genomes Project 30x 0.00016; ExAC 0.00016; 1000 Genomes Project 0.00020.
gnomAD v4.1: 207 of 1,612,294 alleles (0.013%); highest among the groups gnomAD compares: Middle Eastern, 0.12%; no homozygotes.

Submissions (2):

Labcorp Genetics (formerly Invitae), Labcorp
Classification: Uncertain significance. Last evaluated: 2025-11-28. Review status: criteria provided, single submitter. Criteria: Invitae Variant Classification Sherloc (09022015). Collection method: clinical testing. Allele origin: germline.
Comment: This sequence change replaces aspartic acid, which is acidic and polar, with asparagine, which is neutral and polar, at codon 234 of the GUCY2C protein (p.Asp234Asn). This variant is present in population databases (rs538815024, gnomAD 0.04%). This variant has not been reported in the literature in individuals affected with GUCY2C-related conditions. ClinVar contains an entry for this variant (Variation ID: 1022739). Invitae Evidence Modeling of protein sequence and biophysical properties (such as structural, functional, and spatial information, amino acid conservation, physicochemical variation, residue mobility, and thermodynamic stability) indicates that this missense variant is not expected to disrupt GUCY2C protein function with a negative predictive value of 80%. In summary, the available evidence is currently insufficient to determine the role of this variant in disease. Therefore, it has been classified as a Variant of Uncertain Significance.

Ambry Genetics
Classification: Uncertain significance for Inborn genetic diseases. Last evaluated: 2021-06-21. Review status: criteria provided, single submitter. Criteria: Ambry Variant Classification Scheme 2023. Collection method: clinical testing. Allele origin: germline.